The following is an entry in ClinVar:

ClinVar aggregate classification (germline): Uncertain significance (1 of 4 stars; one submission).

Submission:

Ambry Genetics
Classification: Uncertain significance. Last evaluated: 2024-08-18. Review status: criteria provided, single submitter. Criteria: Ambry Variant Classification Scheme 2023. Collection method: clinical testing. Allele origin: germline.
Comment: The p.L185F variant (also known as c.553C>T), located in coding exon 1 of the TERF2IP gene, results from a C to T substitution at nucleotide position 553. The leucine at codon 185 is replaced by phenylalanine, an amino acid with highly similar properties. This amino acid position is conserved. In addition, this alteration is predicted to be tolerated by in silico analysis. Since supporting evidence is limited at this time, the clinical significance of this alteration remains unclear.

NM_018975.4(TERF2IP):c.553C>T (p.Leu185Phe)

Gene: TERF2IP (TERF2 interacting protein; plus strand). Cytogenetic location: 16q23.1.
Variant type: single nucleotide variant.
Coding change: c.553C>T on transcript NM_018975.4 (MANE Select); coding-DNA position 553, C replaced by T.
Protein change: p.Leu185Phe; replaces leucine 185 with phenylalanine.
Molecular consequence: missense variant. On other transcripts: non-coding transcript variant (1).
Genome position (GRCh38, 1-based): chr16:75,648,435, C>T. VCF-style: chr16-75648435-C-T. GRCh37 (hg19) VCF-style: chr16-75682333-C-T.
Other names: short protein forms L185F.
Identifiers: ClinVar variation 1748188 (VCV001748188.3), dbSNP rs1411454710, ClinGen allele CA396818155.